The following is an entry in ClinVar:

ClinVar aggregate classification (germline): Uncertain significance (1 of 4 stars; one submission).

Submission:

Labcorp Genetics (formerly Invitae), Labcorp
Classification: Uncertain significance. Last evaluated: 2022-05-24. Review status: criteria provided, single submitter. Criteria: Invitae Variant Classification Sherloc (09022015). Collection method: clinical testing. Allele origin: germline.
Comment: In summary, the available evidence is currently insufficient to determine the role of this variant in disease. Therefore, it has been classified as a Variant of Uncertain Significance. Algorithms developed to predict the effect of missense changes on protein structure and function (SIFT, PolyPhen-2, Align-GVGD) all suggest that this variant is likely to be tolerated. This variant has not been reported in the literature in individuals affected with IARS-related conditions. This variant is not present in population databases (gnomAD no frequency). This sequence change replaces glutamic acid, which is acidic and polar, with glutamine, which is neutral and polar, at codon 438 of the IARS protein (p.Glu438Gln).

NM_002161.6(IARS1):c.1312G>C (p.Glu438Gln)

Gene: IARS1 (isoleucyl-tRNA synthetase 1; minus strand). Cytogenetic location: 9q22.31.
Variant type: single nucleotide variant.
Coding change: c.1312G>C on transcript NM_002161.6 (MANE Select); coding-DNA position 1312, G replaced by C.
Protein change: p.Glu438Gln; replaces glutamic acid 438 with glutamine.
Molecular consequence: missense variant. On other transcripts: non-coding transcript variant (1).
Genome position (GRCh38, 1-based): chr9:92,268,293, C>G on the plus strand (G>C on the coding strand, the complement: IARS1 is on the minus strand). VCF-style: chr9-92268293-C-G. GRCh37 (hg19) VCF-style: chr9-95030575-C-G.
Other names: c.1312G>C, p.Glu438Gln (NM_001374299.1, NM_001374300.1, NM_001378578.1 and 14 more transcripts); c.1189G>C, p.Glu397Gln (NM_001378583.1); c.1375G>C, p.Glu459Gln (NM_001378569.1); c.1333G>C, p.Glu445Gln (NM_001378571.1); short protein forms E459Q, E397Q, E438Q, E445Q.
Identifiers: ClinVar variation 1998289 (VCV001998289.4), dbSNP rs2490764919, ClinGen allele CA373822622.